The following is an entry in ClinVar:

ClinVar aggregate classification (germline): Uncertain significance. Review status: criteria provided, multiple submitters, no conflicts (2 of 4 stars). 2 submissions from 2 submitters: Uncertain significance (2). Last evaluated 2025-03-28.

Conditions:
Immunodeficiency 35 (IMD35). Also called: TYK2 DEFICIENCY; Susceptibility to infection due to TYK2 deficiency; HIES WITH ATYPICAL MYCOBACTERIOSIS, AUTOSOMAL RECESSIVE; HYPER-IgE SYNDROME WITH ATYPICAL MYCOBACTERIOSIS, AUTOSOMAL RECESSIVE. Identifiers: Orphanet 331226, MedGen C1969086, MONDO:0012682, OMIM 611521.
Inborn genetic diseases. Identifiers: MedGen C0950123, MeSH D030342.

Allele frequency attached by ClinVar (database versions not stated): ExAC 0.00001; gnomAD exomes 0.00002; TOPMed 0.00011.
gnomAD v4.1: 40 of 1,614,072 alleles (0.0025%); highest among the groups gnomAD compares: African/African-American, 0.037%; no homozygotes.

Submissions (2):

Ambry Genetics
Classification: Uncertain significance for Inborn genetic diseases. Last evaluated: 2025-03-28. Review status: criteria provided, single submitter. Criteria: Ambry Variant Classification Scheme 2023. Collection method: clinical testing. Allele origin: germline.

Labcorp Genetics (formerly Invitae), Labcorp
Classification: Uncertain significance for Immunodeficiency 35. Last evaluated: 2022-07-19. Review status: criteria provided, single submitter. Criteria: Invitae Variant Classification Sherloc (09022015). Collection method: clinical testing. Allele origin: germline.
Comment: This sequence change replaces aspartic acid, which is acidic and polar, with asparagine, which is neutral and polar, at codon 543 of the TYK2 protein (p.Asp543Asn). This variant is present in population databases (rs747616008, gnomAD 0.03%). This variant has not been reported in the literature in individuals affected with TYK2-related conditions. ClinVar contains an entry for this variant (Variation ID: 1417401). Algorithms developed to predict the effect of missense changes on protein structure and function are either unavailable or do not agree on the potential impact of this missense change (SIFT: "Not Available"; PolyPhen-2: "Possibly Damaging"; Align-GVGD: "Not Available"). In summary, the available evidence is currently insufficient to determine the role of this variant in disease. Therefore, it has been classified as a Variant of Uncertain Significance.

NM_003331.5(TYK2):c.1627G>A (p.Asp543Asn)

Gene: TYK2 (tyrosine kinase 2; minus strand). Cytogenetic location: 19p13.2.
Variant type: single nucleotide variant.
Coding change: c.1627G>A on transcript NM_003331.5 (MANE Select); coding-DNA position 1627, G replaced by A.
Protein change: p.Asp543Asn; replaces aspartic acid 543 with asparagine.
Molecular consequence: missense variant.
Genome position (GRCh38, 1-based): chr19:10,362,306, C>T on the plus strand (G>A on the coding strand, the complement: TYK2 is on the minus strand). VCF-style: chr19-10362306-C-T. GRCh37 (hg19) VCF-style: chr19-10472982-C-T.
Other names: c.1627G>A, p.Asp543Asn (NM_001385197.1, NM_001385198.1, NM_001385199.1 and 5 more transcripts); c.1429G>A, p.Asp477Asn (NM_001385201.1); c.1537G>A, p.Asp513Asn (NM_001385205.1); c.1501G>A, p.Asp501Asn (NM_001385206.1); c.1627G>A (NM_003331.4); short protein forms D501N, D477N, D513N, D543N.
Identifiers: ClinVar variation 1417401 (VCV001417401.7), dbSNP rs747616008, ClinGen allele CA9193364.